The following is an entry in ClinVar:

NM_001191061.2(SLC25A22):c.464G>C (p.Gly155Ala)

Gene: SLC25A22 (solute carrier family 25 member 22; minus strand). Cytogenetic location: 11p15.5.
Variant type: single nucleotide variant.
Coding change: c.464G>C on transcript NM_001191061.2 (MANE Select); coding-DNA position 464, G replaced by C.
Protein change: p.Gly155Ala; replaces glycine 155 with alanine.
Molecular consequence: missense variant.
Genome position (GRCh38, 1-based): chr11:792,676, C>G on the plus strand (G>C on the coding strand, the complement: SLC25A22 is on the minus strand). VCF-style: chr11-792676-C-G. GRCh37 (hg19) VCF-style: chr11-792676-C-G.
Other names: p.G155A:GGT>GCT; c.464G>C, p.Gly155Ala (NM_001191060.2, NM_024698.6); short protein forms G155A.
Identifiers: ClinVar variation 207152 (VCV000207152.20), dbSNP rs200992080, ClinGen allele CA318342.

ClinVar aggregate classification (germline): Uncertain significance. Review status: criteria provided, multiple submitters, no conflicts (2 of 4 stars). 4 submissions from 4 submitters: Uncertain significance (4). Last evaluated 2025-10-27.

Conditions:
Developmental and epileptic encephalopathy. Identifiers: MedGen C5779964, MONDO:0100620.
Inborn genetic diseases. Identifiers: MedGen C0950123, MeSH D030342.

Allele frequency attached by ClinVar (database versions not stated): ExAC 0.00012; ESP Exome Variant Server 0.00016; gnomAD exomes 0.00004; 1000 Genomes Project 30x 0.00016; TOPMed 0.00020; gnomAD 0.00016; 1000 Genomes Project 0.00020.
gnomAD v4.1: 48 of 1,559,116 alleles (0.0031%); highest among the groups gnomAD compares: African/African-American, 0.049%; no homozygotes.

Submissions (4):

GeneDx
Classification: Uncertain significance. Last evaluated: 2025-10-27. Review status: criteria provided, single submitter. Criteria: GeneDx Variant Classification Process June 2021. Collection method: clinical testing. Allele origin: germline. Affected: yes.
Comment: In silico analysis suggests that this missense variant does not alter protein structure/function; Has not been previously published as pathogenic or benign to our knowledge

Labcorp Genetics (formerly Invitae), Labcorp
Classification: Uncertain significance for Early-infantile DEE. Last evaluated: 2022-08-09. Review status: criteria provided, single submitter. Criteria: Invitae Variant Classification Sherloc (09022015). Collection method: clinical testing. Allele origin: germline.
Comment: This sequence change replaces glycine, which is neutral and non-polar, with alanine, which is neutral and non-polar, at codon 155 of the SLC25A22 protein (p.Gly155Ala). This variant is present in population databases (rs200992080, gnomAD 0.06%). This variant has not been reported in the literature in individuals affected with SLC25A22-related conditions. ClinVar contains an entry for this variant (Variation ID: 207152). Algorithms developed to predict the effect of missense changes on protein structure and function output the following: SIFT: "Tolerated"; PolyPhen-2: "Benign"; Align-GVGD: "Class C0". The alanine amino acid residue is found in multiple mammalian species, which suggests that this missense change does not adversely affect protein function. In summary, the available evidence is currently insufficient to determine the role of this variant in disease. Therefore, it has been classified as a Variant of Uncertain Significance.

Ambry Genetics
Classification: Uncertain significance for Inborn genetic diseases. Last evaluated: 2021-01-13. Review status: criteria provided, single submitter. Criteria: Ambry Variant Classification Scheme 2023. Collection method: clinical testing. Allele origin: germline.
Comment: The c.464G>C (p.G155A) alteration is located in exon 7 (coding exon 6) of the SLC25A22 gene. This alteration results from a G to C substitution at nucleotide position 464, causing the glycine (G) at amino acid position 155 to be replaced by an alanine (A). The p.G155A alteration is predicted to be tolerated by in silico analysis. Based on insufficient or conflicting evidence, the clinical significance of this alteration remains unclear.

Eurofins Ntd Llc (ga)
Classification: Uncertain significance. Last evaluated: 2018-03-01. Review status: criteria provided, single submitter. Criteria: EGL ClinVar v180209 classification definitions. Collection method: clinical testing. Allele origin: germline. Observed: 1 variant allele, 1 heterozygote.